The following is an entry in ClinVar:

NM_005654.6(NR2F1):c.76G>T (p.Ala26Ser)

Genes: NR2F1 (nuclear receptor subfamily 2 group F member 1; plus strand), NR2F1-AS1 (NR2F1 regulatory antisense RNA 1; minus strand). Cytogenetic location: 5q15.
Variant type: single nucleotide variant.
Coding change: c.76G>T on transcript NM_005654.6 (MANE Select); coding-DNA position 76, G replaced by T.
Protein change: p.Ala26Ser; replaces alanine 26 with serine.
Molecular consequence: missense variant.
Genome position (GRCh38, 1-based): chr5:93,585,099, G>T. VCF-style: chr5-93585099-G-T. GRCh37 (hg19) VCF-style: chr5-92920805-G-T.
Other names: short protein forms A26S.
Identifiers: ClinVar variation 2855261 (VCV002855261.3), dbSNP rs2480800997, ClinGen allele CA360525474.

ClinVar aggregate classification (germline): Uncertain significance (1 of 4 stars; one submission).

Submission:

Labcorp Genetics (formerly Invitae), Labcorp
Classification: Uncertain significance. Last evaluated: 2023-04-12. Review status: criteria provided, single submitter. Criteria: Invitae Variant Classification Sherloc (09022015). Collection method: clinical testing. Allele origin: germline.
Comment: In summary, the available evidence is currently insufficient to determine the role of this variant in disease. Therefore, it has been classified as a Variant of Uncertain Significance. Advanced modeling of protein sequence and biophysical properties (such as structural, functional, and spatial information, amino acid conservation, physicochemical variation, residue mobility, and thermodynamic stability) performed at Invitae indicates that this missense variant is not expected to disrupt NR2F1 protein function. This variant has not been reported in the literature in individuals affected with NR2F1-related conditions. The frequency data for this variant in the population databases is considered unreliable, as metrics indicate insufficient coverage at this position in the gnomAD database. This sequence change replaces alanine, which is neutral and non-polar, with serine, which is neutral and polar, at codon 26 of the NR2F1 protein (p.Ala26Ser).